The following is an entry in ClinVar:

ClinVar aggregate classification (germline): Uncertain significance. Review status: criteria provided, multiple submitters, no conflicts (2 of 4 stars). 2 submissions from 2 submitters: Uncertain significance (2). Last evaluated 2024-01-15.

Allele frequency attached by ClinVar (database versions not stated): gnomAD exomes below 0.00001 and 0.00001; ExAC 0.00001; gnomAD 0.00001.
gnomAD v4.1: 5 of 1,613,748 alleles (0.00031%); highest among the groups gnomAD compares: African/African-American, 0.0013%; no homozygotes.

Submissions (2):

Labcorp Genetics (formerly Invitae), Labcorp
Classification: Uncertain significance. Last evaluated: 2024-01-15. Review status: criteria provided, single submitter. Criteria: Invitae Variant Classification Sherloc (09022015). Collection method: clinical testing. Allele origin: germline.
Comment: This sequence change replaces glycine, which is neutral and non-polar, with aspartic acid, which is acidic and polar, at codon 1305 of the ABCA4 protein (p.Gly1305Asp). This variant is present in population databases (rs750473426, gnomAD 0.002%). This variant has not been reported in the literature in individuals affected with ABCA4-related conditions. ClinVar contains an entry for this variant (Variation ID: 1350000). Advanced modeling of protein sequence and biophysical properties (such as structural, functional, and spatial information, amino acid conservation, physicochemical variation, residue mobility, and thermodynamic stability) performed at Invitae indicates that this missense variant is not expected to disrupt ABCA4 protein function with a negative predictive value of 95%. In summary, the available evidence is currently insufficient to determine the role of this variant in disease. Therefore, it has been classified as a Variant of Uncertain Significance.

Blueprint Genetics
Classification: Uncertain significance. Last evaluated: 2022-09-07. Review status: criteria provided, single submitter. Criteria: ACMG Guidelines, 2015. Collection method: clinical testing. Allele origin: germline.

NM_000350.3(ABCA4):c.3914G>A (p.Gly1305Asp)

Gene: ABCA4 (ATP binding cassette subfamily A member 4; minus strand). Cytogenetic location: 1p22.1.
Variant type: single nucleotide variant.
Coding change: c.3914G>A on transcript NM_000350.3 (MANE Select); coding-DNA position 3914, G replaced by A.
Protein change: p.Gly1305Asp; replaces glycine 1305 with aspartic acid.
Molecular consequence: missense variant.
Genome position (GRCh38, 1-based): chr1:94,031,992, C>T on the plus strand (G>A on the coding strand, the complement: ABCA4 is on the minus strand). VCF-style: chr1-94031992-C-T. GRCh37 (hg19) VCF-style: chr1-94497548-C-T.
Other names: c.3692G>A, p.Gly1231Asp (NM_001425324.1); short protein forms G1305D, G1231D.
Identifiers: ClinVar variation 1350000 (VCV001350000.8), dbSNP rs750473426, ClinGen allele CA957772.